The following is an entry in ClinVar:

NM_001083961.2(WDR62):c.253G>A (p.Val85Met)

Gene: WDR62 (WD repeat domain 62; plus strand). Cytogenetic location: 19q13.12.
Variant type: single nucleotide variant.
Coding change: c.253G>A on transcript NM_001083961.2 (MANE Select); coding-DNA position 253, G replaced by A.
Protein change: p.Val85Met; replaces valine 85 with methionine.
Molecular consequence: missense variant.
Genome position (GRCh38, 1-based): chr19:36,058,855, G>A. VCF-style: chr19-36058855-G-A. GRCh37 (hg19) VCF-style: chr19-36549757-G-A.
Other names: c.253G>A, p.Val85Met (NM_173636.5); short protein forms V85M.
Identifiers: ClinVar variation 328905 (VCV000328905.69), dbSNP rs146274964, ClinGen allele CA9395178.

ClinVar aggregate classification (germline): Conflicting classifications of pathogenicity. Review status: criteria provided, conflicting classifications (1 of 4 stars). 12 submissions from 12 submitters: Uncertain significance (6); Likely benign (5). 1 of the submissions does not count toward it. Last evaluated 2026-04-17.

Conditions:
Inborn genetic diseases. Identifiers: MedGen C0950123, MeSH D030342.
Microcephaly 2, primary, autosomal recessive, with or without cortical malformations. Also called: WDR62 Primary Microcephaly; MICROCEPHALY 2, PRIMARY, AUTOSOMAL RECESSIVE, WITH CORTICAL MALFORMATIONS. Identifiers: Orphanet 2512, MedGen C1858535, MONDO:0011435, OMIM 604317.
WDR62-related disorder. Also called: WDR62-related condition.

Allele frequency attached by ClinVar (database versions not stated): 1000 Genomes Project 30x 0.00016; 1000 Genomes Project 0.00020; ExAC 0.00121; gnomAD exomes 0.00121 and 0.00290; TOPMed 0.00134; gnomAD 0.00151 and 0.00161; ESP Exome Variant Server 0.00246.
gnomAD v4.1: 4,395 of 1,614,138 alleles (0.27%); highest among the groups gnomAD compares: Non-Finnish European, 0.35%; 8 homozygotes.

Submissions (12):

Women's Health and Genetics/Laboratory Corporation of America, LabCorp
Classification: Likely benign. Last evaluated: 2026-04-17. Review status: criteria provided, single submitter. Criteria: LabCorp Variant Classification Summary - May 2015. Collection method: clinical testing. Allele origin: germline.
Comment: Variant summary: WDR62 c.253G>A (p.Val85Met) results in a conservative amino acid change in the encoded protein sequence. Algorithms developed to predict the effect of missense changes on protein structure and function are either unavailable or do not agree on the potential impact of this missense change. The variant allele was found at a frequency of 0.0027 in 1614138 control chromosomes, predominantly at a frequency of 0.0035 within the Non-Finnish European subpopulation in the gnomAD v4.1 database, including 7 homozygotes. The observed variant frequency within Non-Finnish European control individuals in the gnomAD database exceeds the estimated maximal expected allele frequency for disease-causing variants in WDR62. c.253G>A has been observed in an individual affected with Primary microcephaly who also had a CEP135 variant (Duerinckx_2020). This report does not provide unequivocal conclusions about association of the variant with Primary microcephaly. To our knowledge, no experimental evidence demonstrating an impact on protein function has been reported. The following publication has been ascertained in the context of this evaluation (PMID: 31696992). ClinVar contains an entry for this variant (Variation ID: 328905). Based on the evidence outlined above, the variant was classified as likely benign.

Labcorp Genetics (formerly Invitae), Labcorp
Classification: Likely benign. Last evaluated: 2026-01-19. Review status: criteria provided, single submitter. Criteria: Invitae Variant Classification Sherloc (09022015). Collection method: clinical testing. Allele origin: germline.

CeGaT Center for Human Genetics Tuebingen
Classification: Likely benign. Last evaluated: 2025-10-01. Review status: criteria provided, single submitter. Criteria: CeGaT Center For Human Genetics Tuebingen Variant Classification Criteria Version 2. Collection method: clinical testing. Allele origin: germline. Affected: yes. Observed: 3 variant alleles.
Comment: WDR62: BS2

Ambry Genetics
Classification: Likely benign for Inborn genetic diseases. Last evaluated: 2023-03-03. Review status: criteria provided, single submitter. Criteria: Ambry Variant Classification Scheme 2023. Collection method: clinical testing. Allele origin: germline.

Mayo Clinic Laboratories, Mayo Clinic
Classification: Uncertain significance. Last evaluated: 2021-09-16. Review status: criteria provided, single submitter. Criteria: ACMG Guidelines, 2015. Collection method: clinical testing. Allele origin: germline.

GeneDx
Classification: Likely benign. Last evaluated: 2021-04-23. Review status: criteria provided, single submitter. Criteria: GeneDx Variant Classification Process June 2021. Collection method: clinical testing. Allele origin: germline. Affected: yes.
Comment: This variant is associated with the following publications: (PMID: 31696992)

Fulgent Genetics
Classification: Uncertain significance for Microcephaly 2, primary, autosomal recessive, with or without cortical malformations. Last evaluated: 2018-10-31. Review status: criteria provided, single submitter. Criteria: ACMG Guidelines, 2015. Collection method: clinical testing. Allele origin: unknown.

Illumina Laboratory Services, Illumina
Classification: Uncertain significance for Microcephaly 2, primary, autosomal recessive, with or without cortical malformations. Last evaluated: 2018-01-13. Review status: criteria provided, single submitter. Criteria: ICSL Variant Classification Criteria 13 December 2019. Collection method: clinical testing. Allele origin: germline.

Athena Diagnostics
Classification: Uncertain significance. Last evaluated: 2017-01-26. Review status: criteria provided, single submitter. Criteria: Athena Diagnostics Criteria. Collection method: clinical testing. Allele origin: germline.

Genetic Services Laboratory, University of Chicago
Classification: Uncertain significance. Last evaluated: 2015-12-18. Review status: criteria provided, single submitter. Criteria: ACMG Guidelines, 2015. Collection method: clinical testing. Allele origin: germline. Affected: no.

Child Neurology Department, Hôpital Universitaire de Bruxelles
Classification: Uncertain significance for Microcephaly 2, primary, autosomal recessive, with or without cortical malformations. Review status: criteria provided, single submitter. Criteria: ACMG Guidelines, 2015. Collection method: clinical testing. Allele origin: maternal. Affected: yes.

PreventionGenetics, part of Exact Sciences
Classification: Likely benign for WDR62-related condition. Last evaluated: 2022-10-18. Review status: no assertion criteria provided. Collection method: clinical testing. Allele origin: germline. Not counted in ClinVar's aggregate classification.
Comment: This variant is classified as likely benign based on ACMG/AMP sequence variant interpretation guidelines (Richards et al. 2015 PMID: 25741868, with internal and published modifications).

Literature cited by the submitters: PubMed 31696992 (cited by Women's Health and Genetics/Laboratory Corporation of America, LabCorp).